The following is an entry in ClinVar:

ClinVar aggregate classification (germline): Uncertain significance (1 of 4 stars; one submission).

Conditions:
Werner syndrome (WRN). Identifiers: Orphanet 902, MedGen C0043119, MONDO:0010196, OMIM 277700.

Allele frequency attached by ClinVar (database versions not stated): gnomAD exomes below 0.00001 and 0.00001; gnomAD 0.00001; TOPMed 0.00001.

Submission:

Labcorp Genetics (formerly Invitae), Labcorp
Classification: Uncertain significance for Werner syndrome. Last evaluated: 2021-10-12. Review status: criteria provided, single submitter. Criteria: Invitae Variant Classification Sherloc (09022015). Collection method: clinical testing. Allele origin: germline.
Comment: This sequence change replaces asparagine with serine at codon 1066 of the WRN protein (p.Asn1066Ser). The asparagine residue is moderately conserved and there is a small physicochemical difference between asparagine and serine. In summary, the available evidence is currently insufficient to determine the role of this variant in disease. Therefore, it has been classified as a Variant of Uncertain Significance. Algorithms developed to predict the effect of missense changes on protein structure and function output the following: SIFT: "Not Available"; PolyPhen-2: "Benign"; Align-GVGD: "Not Available". The serine amino acid residue is found in multiple mammalian species, which suggests that this missense change does not adversely affect protein function. This variant has not been reported in the literature in individuals affected with WRN-related conditions. This variant is not present in population databases (ExAC no frequency).

NM_000553.6(WRN):c.3197A>G (p.Asn1066Ser)

Gene: WRN (WRN RecQ like helicase; plus strand). Cytogenetic location: 8p12.
Variant type: single nucleotide variant.
Coding change: c.3197A>G on transcript NM_000553.6 (MANE Select); coding-DNA position 3197, A replaced by G.
Protein change: p.Asn1066Ser; replaces asparagine 1066 with serine.
Molecular consequence: missense variant.
Genome position (GRCh38, 1-based): chr8:31,141,739, A>G. VCF-style: chr8-31141739-A-G. GRCh37 (hg19) VCF-style: chr8-30999255-A-G.
Other names: short protein forms N1066S.
Identifiers: ClinVar variation 1405287 (VCV001405287.6), dbSNP rs1258084742, ClinGen allele CA370923107.